The following is an entry in ClinVar:

NM_001297.5(CNGB1):c.3245G>A (p.Arg1082His)

Gene: CNGB1 (cyclic nucleotide gated channel subunit beta 1; minus strand). Cytogenetic location: 16q21.
Variant type: single nucleotide variant.
Coding change: c.3245G>A on transcript NM_001297.5 (MANE Select); coding-DNA position 3245, G replaced by A.
Protein change: p.Arg1082His; replaces arginine 1082 with histidine.
Molecular consequence: missense variant.
Genome position (GRCh38, 1-based): chr16:57,888,072, C>T on the plus strand (G>A on the coding strand, the complement: CNGB1 is on the minus strand). VCF-style: chr16-57888072-C-T. GRCh37 (hg19) VCF-style: chr16-57921976-C-T.
Other names: c.3227G>A, p.Arg1076His (NM_001286130.2); short protein forms R1076H, R1082H.
Identifiers: ClinVar variation 1934357 (VCV001934357.2), dbSNP rs777517690, ClinGen allele CA8082612.

ClinVar aggregate classification (germline): Uncertain significance (1 of 4 stars; one submission).

gnomAD v4.1: 12 of 1,613,502 alleles (0.00074%); highest among the groups gnomAD compares: Admixed American, 0.0067%; no homozygotes.

Submission:

Labcorp Genetics (formerly Invitae), Labcorp
Classification: Uncertain significance. Last evaluated: 2022-10-25. Review status: criteria provided, single submitter. Criteria: Invitae Variant Classification Sherloc (09022015). Collection method: clinical testing. Allele origin: germline.
Comment: This sequence change replaces arginine, which is basic and polar, with histidine, which is basic and polar, at codon 1082 of the CNGB1 protein (p.Arg1082His). This variant is present in population databases (rs777517690, gnomAD 0.007%). This variant has not been reported in the literature in individuals affected with CNGB1-related conditions. Algorithms developed to predict the effect of missense changes on protein structure and function (SIFT, PolyPhen-2, Align-GVGD) all suggest that this variant is likely to be tolerated. In summary, the available evidence is currently insufficient to determine the role of this variant in disease. Therefore, it has been classified as a Variant of Uncertain Significance.